The following is an entry in ClinVar:

NM_001174089.2(SLC4A11):c.1785C>T (p.Cys595=)

Gene: SLC4A11 (solute carrier family 4 member 11; minus strand). Cytogenetic location: 20p13.
Variant type: single nucleotide variant.
Coding change: c.1785C>T on transcript NM_001174089.2 (MANE Select); coding-DNA position 1785, C replaced by T.
Protein change: p.Cys595=; no amino-acid change (cysteine 595 retained).
Molecular consequence: synonymous variant. On other transcripts: non-coding transcript variant (1).
Genome position (GRCh38, 1-based): chr20:3,229,410, G>A on the plus strand (C>T on the coding strand, the complement: SLC4A11 is on the minus strand). VCF-style: chr20-3229410-G-A. GRCh37 (hg19) VCF-style: chr20-3210056-G-A.
Other names: c.1914C>T, p.Cys638= (NM_001174090.2); c.1671C>T, p.Cys557= (NM_001363745.2); c.1833C>T, p.Cys611= (NM_032034.4).
Identifiers: ClinVar variation 731854 (VCV000731854.13), dbSNP rs201613216, ClinGen allele CA9741725.

ClinVar aggregate classification (germline): Benign/Likely benign. Review status: criteria provided, multiple submitters, no conflicts (2 of 4 stars). 4 submissions from 4 submitters: Benign (1); Likely benign (1). 2 of the submissions do not count toward it. Last evaluated 2026-02-03.

Conditions:
SLC4A11-related disorder. Also called: SLC4A11-related condition.
Corneal dystrophy-perceptive deafness syndrome (CDPD). Also called: CORNEAL DYSTROPHY AND SENSORINEURAL DEAFNESS; HARBOYAN SYNDROME. Identifiers: Orphanet 1490, MedGen C1857572, MONDO:0009015, OMIM 217400.

Allele frequency attached by ClinVar (database versions not stated): ESP Exome Variant Server 0.00015; TOPMed 0.00015; gnomAD exomes 0.00038 and 0.00091; gnomAD 0.00039 and 0.00042; 1000 Genomes Project 0.00060; ExAC 0.00092.
gnomAD v4.1: 629 of 1,613,308 alleles (0.039%); highest among the groups gnomAD compares: East Asian, 0.25%; 2 homozygotes.

Submissions (4):

Labcorp Genetics (formerly Invitae), Labcorp
Classification: Benign. Last evaluated: 2026-02-03. Review status: criteria provided, single submitter. Criteria: Invitae Variant Classification Sherloc (09022015). Collection method: clinical testing. Allele origin: germline.

Blueprint Genetics
Classification: Likely benign. Last evaluated: 2024-10-04. Review status: criteria provided, single submitter. Criteria: ACMG Guidelines, 2015. Collection method: clinical testing. Allele origin: germline.

PreventionGenetics, part of Exact Sciences
Classification: Likely benign for SLC4A11-related condition. Last evaluated: 2024-07-08. Review status: no assertion criteria provided. Collection method: clinical testing. Allele origin: germline. Not counted in ClinVar's aggregate classification.
Comment: This variant is classified as likely benign based on ACMG/AMP sequence variant interpretation guidelines (Richards et al. 2015 PMID: 25741868, with internal and published modifications).

Natera, Inc.
Classification: Benign for Harboyan syndrome. Last evaluated: 2020-09-16. Review status: no assertion criteria provided. Collection method: clinical testing. Allele origin: germline. Not counted in ClinVar's aggregate classification.